The following is an entry in ClinVar:

NM_130837.3(OPA1):c.2311G>A (p.Asp771Asn)

Gene: OPA1 (OPA1 mitochondrial dynamin like GTPase; plus strand). Cytogenetic location: 3q29.
Variant type: single nucleotide variant.
Coding change: c.2311G>A on transcript NM_130837.3 (MANE Select); coding-DNA position 2311, G replaced by A.
Protein change: p.Asp771Asn; replaces aspartic acid 771 with asparagine.
Molecular consequence: missense variant.
Genome position (GRCh38, 1-based): chr3:193,657,212, G>A. VCF-style: chr3-193657212-G-A. GRCh37 (hg19) VCF-style: chr3-193375001-G-A.
Other names: c.1777G>A, p.Asp593Asn (NM_001354663.2); c.1774G>A, p.Asp592Asn (NM_001354664.2); c.2146G>A, p.Asp716Asn (NM_015560.3); c.2038G>A, p.Asp680Asn (NM_130831.3); c.2092G>A, p.Asp698Asn (NM_130832.3); c.2149G>A, p.Asp717Asn (NM_130833.3); c.2200G>A, p.Asp734Asn (NM_130834.3); c.2203G>A, p.Asp735Asn (NM_130835.3); and 1 more; short protein forms D734N, D593N, D698N, D716N, D717N, D771N, D592N, D680N.
Identifiers: ClinVar variation 4774972 (VCV004774972.1).

ClinVar aggregate classification (germline): Uncertain significance (1 of 4 stars; one submission).

Submission:

Labcorp Genetics (formerly Invitae), Labcorp
Classification: Uncertain significance. Last evaluated: 2025-12-03. Review status: criteria provided, single submitter. Criteria: Invitae Variant Classification Sherloc (09022015). Collection method: clinical testing. Allele origin: germline.
Comment: This sequence change replaces aspartic acid, which is acidic and polar, with asparagine, which is neutral and polar, at codon 716 of the OPA1 protein (p.Asp716Asn). This variant is not present in population databases (gnomAD no frequency). This variant has not been reported in the literature in individuals affected with OPA1-related conditions. Invitae Evidence Modeling of protein sequence and biophysical properties (such as structural, functional, and spatial information, amino acid conservation, physicochemical variation, residue mobility, and thermodynamic stability) indicates that this missense variant is not expected to disrupt OPA1 protein function with a negative predictive value of 80%. In summary, the available evidence is currently insufficient to determine the role of this variant in disease. Therefore, it has been classified as a Variant of Uncertain Significance.